The following is an entry in ClinVar:

NM_001371986.1(UNC80):c.8861C>G (p.Pro2954Arg)

Gene: UNC80 (unc-80 homolog, NALCN channel complex subunit; plus strand). Cytogenetic location: 2q34.
Variant type: single nucleotide variant.
Coding change: c.8861C>G on transcript NM_001371986.1 (MANE Select); coding-DNA position 8861, C replaced by G.
Protein change: p.Pro2954Arg; replaces proline 2954 with arginine.
Molecular consequence: missense variant.
Genome position (GRCh38, 1-based): chr2:209,977,001, C>G. VCF-style: chr2-209977001-C-G. GRCh37 (hg19) VCF-style: chr2-210841725-C-G.
Other names: c.8663C>G, p.Pro2888Arg (NM_032504.2); c.8648C>G, p.Pro2883Arg (NM_182587.4); short protein forms P2883R, P2954R, P2888R.
Identifiers: ClinVar variation 1922269 (VCV001922269.3), dbSNP rs766969243, ClinGen allele CA2083600.

ClinVar aggregate classification (germline): Uncertain significance (1 of 4 stars; one submission).

Allele frequency attached by ClinVar (database versions not stated): gnomAD 0.00001; TOPMed 0.00001; ExAC 0.00005.
gnomAD v4.1: 5 of 1,539,716 alleles (0.00032%); highest among the groups gnomAD compares: Non-Finnish European, 0.00044%; no homozygotes.

Submission:

Labcorp Genetics (formerly Invitae), Labcorp
Classification: Uncertain significance. Last evaluated: 2024-10-16. Review status: criteria provided, single submitter. Criteria: Invitae Variant Classification Sherloc (09022015). Collection method: clinical testing. Allele origin: germline.
Comment: This sequence change replaces proline, which is neutral and non-polar, with arginine, which is basic and polar, at codon 2888 of the UNC80 protein (p.Pro2888Arg). This variant is present in population databases (rs766969243, gnomAD 0.002%). This variant has not been reported in the literature in individuals affected with UNC80-related conditions. ClinVar contains an entry for this variant (Variation ID: 1922269). Invitae Evidence Modeling of protein sequence and biophysical properties (such as structural, functional, and spatial information, amino acid conservation, physicochemical variation, residue mobility, and thermodynamic stability) indicates that this missense variant is not expected to disrupt UNC80 protein function with a negative predictive value of 80%. In summary, the available evidence is currently insufficient to determine the role of this variant in disease. Therefore, it has been classified as a Variant of Uncertain Significance.